The following is an entry in ClinVar:

ClinVar aggregate classification (germline): Uncertain significance (1 of 4 stars; one submission).

Conditions:
Hereditary spastic paraplegia 28. Also called: Spastic paraplegia 28, autosomal recessive. Identifiers: Orphanet 101008, MedGen C1836295, MONDO:0012256, OMIM 609340.

Allele frequency attached by ClinVar (database versions not stated): gnomAD 0.00002; TOPMed below 0.00001.
gnomAD v4.1: 15 of 1,440,684 alleles (0.001%); highest among the groups gnomAD compares: Non-Finnish European, 0.0013%; no homozygotes.

Submission:

Labcorp Genetics (formerly Invitae), Labcorp
Classification: Uncertain significance for Hereditary spastic paraplegia 28. Last evaluated: 2023-08-17. Review status: criteria provided, single submitter. Criteria: Invitae Variant Classification Sherloc (09022015). Collection method: clinical testing. Allele origin: germline.
Comment: This sequence change replaces glycine, which is neutral and non-polar, with alanine, which is neutral and non-polar, at codon 5 of the DDHD1 protein (p.Gly5Ala). This variant is present in population databases (no rsID available, gnomAD 0.003%). This variant has not been reported in the literature in individuals affected with DDHD1-related conditions. ClinVar contains an entry for this variant (Variation ID: 1003115). An algorithm developed to predict the effect of missense changes on protein structure and function (PolyPhen-2) suggests that this variant is likely to be disruptive. In summary, the available evidence is currently insufficient to determine the role of this variant in disease. Therefore, it has been classified as a Variant of Uncertain Significance.

NM_001160148.2(DDHD1):c.14G>C (p.Gly5Ala)

Gene: DDHD1 (DDHD domain containing 1; minus strand). Cytogenetic location: 14q22.1.
Variant type: single nucleotide variant.
Coding change: c.14G>C on transcript NM_001160148.2 (MANE Select); coding-DNA position 14, G replaced by C.
Protein change: p.Gly5Ala; replaces glycine 5 with alanine.
Molecular consequence: missense variant.
Genome position (GRCh38, 1-based): chr14:53,153,085, C>G on the plus strand (G>C on the coding strand, the complement: DDHD1 is on the minus strand). VCF-style: chr14-53153085-C-G. GRCh37 (hg19) VCF-style: chr14-53619803-C-G.
Other names: c.14G>C, p.Gly5Ala (NM_001160147.2, NM_030637.3); short protein forms G5A.
Identifiers: ClinVar variation 1003115 (VCV001003115.7), dbSNP rs1184854729, ClinGen allele CA389782194.